The following is an entry in ClinVar:

ClinVar aggregate classification (germline): Uncertain significance. Review status: criteria provided, multiple submitters, no conflicts (2 of 4 stars). 2 submissions from 2 submitters: Uncertain significance (2). Last evaluated 2022-10-18.

Allele frequency attached by ClinVar (database versions not stated): gnomAD exomes below 0.00001; ExAC 0.00001.
gnomAD v4.1: 2 of 1,613,888 alleles (0.00012%); highest among the groups gnomAD compares: South Asian, 0.0022%; no homozygotes.

Submissions (2):

Labcorp Genetics (formerly Invitae), Labcorp
Classification: Uncertain significance. Last evaluated: 2022-10-18. Review status: criteria provided, single submitter. Criteria: Invitae Variant Classification Sherloc (09022015). Collection method: clinical testing. Allele origin: germline.
Comment: This variant is present in population databases (rs771501919, gnomAD 0.003%). In summary, the available evidence is currently insufficient to determine the role of this variant in disease. Therefore, it has been classified as a Variant of Uncertain Significance. Algorithms developed to predict the effect of missense changes on protein structure and function output the following: SIFT: "Deleterious"; PolyPhen-2: "Benign"; Align-GVGD: "Class C15". The leucine amino acid residue is found in multiple mammalian species, which suggests that this missense change does not adversely affect protein function. ClinVar contains an entry for this variant (Variation ID: 953383). This variant has not been reported in the literature in individuals affected with PCARE-related conditions. This sequence change replaces histidine, which is basic and polar, with leucine, which is neutral and non-polar, at codon 306 of the PCARE protein (p.His306Leu).

Blueprint Genetics
Classification: Uncertain significance. Last evaluated: 2022-08-03. Review status: criteria provided, single submitter. Criteria: ACMG Guidelines, 2015. Collection method: clinical testing. Allele origin: germline.

NM_001029883.3(PCARE):c.917A>T (p.His306Leu)

Gene: PCARE (photoreceptor cilium actin regulator; minus strand). Cytogenetic location: 2p23.2.
Variant type: single nucleotide variant.
Coding change: c.917A>T on transcript NM_001029883.3 (MANE Select); coding-DNA position 917, A replaced by T.
Protein change: p.His306Leu; replaces histidine 306 with leucine.
Molecular consequence: missense variant.
Genome position (GRCh38, 1-based): chr2:29,073,345, T>A on the plus strand (A>T on the coding strand, the complement: PCARE is on the minus strand). VCF-style: chr2-29073345-T-A. GRCh37 (hg19) VCF-style: chr2-29296211-T-A.
Other names: short protein forms H306L.
Identifiers: ClinVar variation 953383 (VCV000953383.10), dbSNP rs771501919, ClinGen allele CA1592539.